The following is an entry in ClinVar:

ClinVar aggregate classification (germline): Likely benign (1 of 4 stars; one submission).

Conditions:
Autoimmune lymphoproliferative syndrome type 1. Also called: AUTOIMMUNE LYMPHOPROLIFERATIVE SYNDROME, TYPE I, AUTOSOMAL DOMINANT. Identifiers: Orphanet 3261, MedGen C2717884, MONDO:0011158, OMIM 601859.

Allele frequency attached by ClinVar (database versions not stated): ExAC 0.00002; TOPMed 0.00004; gnomAD exomes 0.00001 and 0.00002; gnomAD 0.00004.
gnomAD v4.1: 16 of 1,612,884 alleles (0.00099%); highest among the groups gnomAD compares: African/African-American, 0.0013%; no homozygotes.

Submission:

Illumina Laboratory Services, Illumina
Classification: Likely benign for Autoimmune lymphoproliferative syndrome type 1. Last evaluated: 2018-01-13. Review status: criteria provided, single submitter. Criteria: ICSL Variant Classification Criteria 13 December 2019. Collection method: clinical testing. Allele origin: germline.
Comment: This variant was observed in the ICSL laboratory as part of a predisposition screen in an ostensibly healthy population. It had not been previously curated by ICSL or reported in the Human Gene Mutation Database (HGMD: prior to June 1st, 2018), and was therefore a candidate for classification through an automated scoring system. Utilizing variant allele frequency, disease prevalence and penetrance estimates, and inheritance mode, an automated score was calculated to assess if this variant is too frequent to cause the disease. Based on the score and internal cut-off values, a variant classified as likely benign is not then subjected to further curation. The score for this variant resulted in a classification of likely benign for this disease.

NM_000639.3(FASLG):c.*32T>C

Gene: FASLG (Fas ligand; plus strand). Cytogenetic location: 1q24.3.
Variant type: single nucleotide variant.
Coding change: c.*32T>C on transcript NM_000639.3 (MANE Select); 32 bases downstream of the stop codon, T replaced by C.
Molecular consequence: 3 prime UTR variant.
Genome position (GRCh38, 1-based): chr1:172,666,048, T>C. VCF-style: chr1-172666048-T-C. GRCh37 (hg19) VCF-style: chr1-172635188-T-C.
Other names: c.*448T>C (NM_001302746.2).
Identifiers: ClinVar variation 293740 (VCV000293740.5), dbSNP rs775421228, ClinGen allele CA1247636.